The following is an entry in ClinVar:

NM_006017.3(PROM1):c.1453G>C (p.Val485Leu)

Gene: PROM1 (prominin 1; minus strand). Cytogenetic location: 4p15.32.
Variant type: single nucleotide variant.
Coding change: c.1453G>C on transcript NM_006017.3 (MANE Select); coding-DNA position 1453, G replaced by C.
Protein change: p.Val485Leu; replaces valine 485 with leucine.
Molecular consequence: missense variant.
Genome position (GRCh38, 1-based): chr4:16,006,539, C>G on the plus strand (G>C on the coding strand, the complement: PROM1 is on the minus strand). VCF-style: chr4-16006539-C-G. GRCh37 (hg19) VCF-style: chr4-16008162-C-G.
Other names: c.1426G>C, p.Val476Leu (NM_001145847.2, NM_001145848.2, NM_001145851.2 and 4 more transcripts); c.1453G>C, p.Val485Leu (NM_001145849.2, NM_001145850.2); short protein forms V476L, V485L.
Identifiers: ClinVar variation 3659000 (VCV003659000.2).

ClinVar aggregate classification (germline): Uncertain significance (1 of 4 stars; one submission).

Submission:

Labcorp Genetics (formerly Invitae), Labcorp
Classification: Uncertain significance. Last evaluated: 2024-07-08. Review status: criteria provided, single submitter. Criteria: Invitae Variant Classification Sherloc (09022015). Collection method: clinical testing. Allele origin: germline.
Comment: This sequence change replaces valine, which is neutral and non-polar, with leucine, which is neutral and non-polar, at codon 485 of the PROM1 protein (p.Val485Leu). This variant is not present in population databases (gnomAD no frequency). This variant has not been reported in the literature in individuals affected with PROM1-related conditions. An algorithm developed to predict the effect of missense changes on protein structure and function (PolyPhen-2) suggests that this variant is likely to be disruptive. In summary, the available evidence is currently insufficient to determine the role of this variant in disease. Therefore, it has been classified as a Variant of Uncertain Significance.